The following is an entry in ClinVar:

NM_022336.4(EDAR):c.1213G>C (p.Gly405Arg)

Genes: EDAR (ectodysplasin A receptor; minus strand), RANBP2 (RAN binding protein 2; plus strand). Cytogenetic location: 2q13.
Variant type: single nucleotide variant.
Coding change: c.1213G>C on transcript NM_022336.4 (MANE Select); coding-DNA position 1213, G replaced by C.
Protein change: p.Gly405Arg; replaces glycine 405 with arginine.
Molecular consequence: missense variant.
Genome position (GRCh38, 1-based): chr2:108,897,041, C>G on the plus strand (G>C on the coding strand, the complement: EDAR is on the minus strand). VCF-style: chr2-108897041-C-G. GRCh37 (hg19) VCF-style: chr2-109513497-C-G.
Other names: short protein forms G405R.
Identifiers: ClinVar variation 1034708 (VCV001034708.6), dbSNP rs1696610650, ClinGen allele CA348047957.

ClinVar aggregate classification (germline): Likely pathogenic (1 of 4 stars; one submission).

Conditions:
Autosomal recessive hypohidrotic ectodermal dysplasia syndrome. Also called: Autosomal recessive hypohidrotic ectodermal dysplasia. Identifiers: Orphanet 248, MedGen C0406702, MONDO:0016619.
Ectodermal dysplasia 10A, hypohidrotic/hair/nail type, autosomal dominant (ECTD10A). Also called: Ectodermal Dysplasia 3, Anhidrotic. Identifiers: Orphanet 1810, Orphanet 238468, MedGen C3888065, MONDO:0007509, OMIM 129490.

Submission:

Labcorp Genetics (formerly Invitae), Labcorp
Classification: Likely pathogenic for Ectodermal dysplasia 10A, hypohidrotic/hair/nail type, autosomal dominant; Autosomal recessive hypohidrotic ectodermal dysplasia syndrome. Last evaluated: 2021-10-18. Review status: criteria provided, single submitter. Criteria: Invitae Variant Classification Sherloc (09022015). Collection method: clinical testing. Allele origin: germline.
Comment: This variant disrupts the p.Gly405 amino acid residue in EDAR. Other variant(s) that disrupt this residue have been determined to be pathogenic (Invitae). This suggests that this residue is clinically significant, and that variants that disrupt this residue are likely to be disease-causing. In summary, the currently available evidence indicates that the variant is pathogenic, but additional data are needed to prove that conclusively. Therefore, this variant has been classified as Likely Pathogenic. Advanced modeling of protein sequence and biophysical properties (such as structural, functional, and spatial information, amino acid conservation, physicochemical variation, residue mobility, and thermodynamic stability) performed at Invitae indicates that this missense variant is expected to disrupt EDAR protein function. ClinVar contains an entry for this variant (Variation ID: 1034708). This variant has not been reported in the literature in individuals affected with EDAR-related conditions. This variant is not present in population databases (ExAC no frequency). This sequence change replaces glycine with arginine at codon 405 of the EDAR protein (p.Gly405Arg). The glycine residue is highly conserved and there is a moderate physicochemical difference between glycine and arginine.